The following is an entry in ClinVar:

ClinVar aggregate classification (germline): Uncertain significance (1 of 4 stars; one submission).

Submission:

Labcorp Genetics (formerly Invitae), Labcorp
Classification: Uncertain significance. Last evaluated: 2025-12-01. Review status: criteria provided, single submitter. Criteria: Invitae Variant Classification Sherloc (09022015). Collection method: clinical testing. Allele origin: germline.
Comment: This sequence change replaces arginine, which is basic and polar, with lysine, which is basic and polar, at codon 1146 of the COL11A2 protein (p.Arg1146Lys). This variant is not present in population databases (gnomAD no frequency). This variant has not been reported in the literature in individuals affected with COL11A2-related conditions. Invitae Evidence Modeling of protein sequence and biophysical properties (such as structural, functional, and spatial information, amino acid conservation, physicochemical variation, residue mobility, and thermodynamic stability) indicates that this missense variant is not expected to disrupt COL11A2 protein function with a negative predictive value of 95%. In summary, the available evidence is currently insufficient to determine the role of this variant in disease. Therefore, it has been classified as a Variant of Uncertain Significance.

NM_080680.3(COL11A2):c.3437G>A (p.Arg1146Lys)

Gene: COL11A2 (collagen type XI alpha 2 chain; minus strand). Cytogenetic location: 6p21.32.
Variant type: single nucleotide variant.
Coding change: c.3437G>A on transcript NM_080680.3 (MANE Select); coding-DNA position 3437, G replaced by A.
Protein change: p.Arg1146Lys; replaces arginine 1146 with lysine.
Molecular consequence: missense variant.
Genome position (GRCh38, 1-based): chr6:33,170,847, C>T on the plus strand (G>A on the coding strand, the complement: COL11A2 is on the minus strand). VCF-style: chr6-33170847-C-T. GRCh37 (hg19) VCF-style: chr6-33138624-C-T.
Other names: c.3116G>A, p.Arg1039Lys (NM_080679.3); c.3179G>A, p.Arg1060Lys (NM_080681.3); c.3257G>A, p.Arg1086Lys (NM_001424108.1); c.2591G>A, p.Arg864Lys (NM_001424109.1); c.2411G>A, p.Arg804Lys (NM_001424110.1, NM_001424111.1); c.1391G>A, p.Arg464Lys (NM_001424112.1); short protein forms R1086K, R804K, R1146K, R864K, R1039K, R464K, R1060K.
Identifiers: ClinVar variation 4762860 (VCV004762860.1).